The following is an entry in ClinVar:

NM_004629.2(FANCG):c.646+5G>A

Gene: FANCG (FA complementation group G; minus strand). Cytogenetic location: 9p13.3.
Variant type: single nucleotide variant.
Coding change: c.646+5G>A on transcript NM_004629.2 (MANE Select); 5 bases into the intron after coding-DNA position 646, G replaced by A.
Molecular consequence: intron variant.
Genome position (GRCh38, 1-based): chr9:35,077,259, C>T on the plus strand (G>A on the coding strand, the complement: FANCG is on the minus strand). VCF-style: chr9-35077259-C-T. GRCh37 (hg19) VCF-style: chr9-35077256-C-T.
Identifiers: ClinVar variation 1357348 (VCV001357348.8), dbSNP rs1453133047, ClinGen allele CA587245698.

ClinVar aggregate classification (germline): Uncertain significance (1 of 4 stars; one submission).

Conditions:
Fanconi anemia (FA). Also called: Fanconi's anemia. Identifiers: Orphanet 84, MedGen C0015625, MeSH D005199, MONDO:0019391.

Allele frequency attached by ClinVar (database versions not stated): gnomAD exomes below 0.00001; gnomAD 0.00001; TOPMed 0.00001.
gnomAD v4.1: 2 of 1,614,104 alleles (0.00012%); highest among the groups gnomAD compares: African/African-American, 0.0027%; no homozygotes.

Submission:

Labcorp Genetics (formerly Invitae), Labcorp
Classification: Uncertain significance for Fanconi anemia. Last evaluated: 2021-08-18. Review status: criteria provided, single submitter. Criteria: Invitae Variant Classification Sherloc (09022015). Collection method: clinical testing. Allele origin: germline.
Comment: This sequence change falls in intron 5 of the FANCG gene. It does not directly change the encoded amino acid sequence of the FANCG protein, but it affects a nucleotide within the consensus splice site of the intron. This variant is not present in population databases (ExAC no frequency) and has not been reported in the literature in individuals with a FANCG-related disease. Nucleotide substitutions within the consensus splice site are relatively common causes of aberrant splicing (PMID: 17576681, 9536098). Algorithms developed to predict the effect of nucleotide changes on RNA splicing suggest that this variant may alter RNA splicing, but this prediction has not been confirmed by published transcriptional studies. In summary, this is a novel intronic change with uncertain impact on splicing. It has been classified as a Variant of Uncertain Significance.

Literature cited by the submitters: PubMed 17576681; PubMed 9536098.